The following is an entry in ClinVar:

NM_144658.4(DOCK11):c.1107G>A (p.Val369=)

Gene: DOCK11 (dedicator of cytokinesis 11; plus strand). Cytogenetic location: Xq24.
Variant type: single nucleotide variant.
Coding change: c.1107G>A on transcript NM_144658.4 (MANE Select); coding-DNA position 1107, G replaced by A.
Protein change: p.Val369=; no amino-acid change (valine 369 retained).
Molecular consequence: synonymous variant.
Genome position (GRCh38, 1-based): chrX:118,572,394, G>A. VCF-style: chrX-118572394-G-A. GRCh37 (hg19) VCF-style: chrX-117706357-G-A.
Identifiers: ClinVar variation 4977988 (VCV004977988.1).

ClinVar aggregate classification (germline): Likely benign (1 of 4 stars; one submission).

Conditions:
DOCK11-related disorder. Also called: DOCK11-related condition.

gnomAD v4.1: 13 of 1,205,272 alleles (0.0011%); highest among the groups gnomAD compares: Non-Finnish European, 0.0013%; no homozygotes.

Submission:

PreventionGenetics, part of Exact Sciences
Classification: Likely benign for DOCK11-related condition. Last evaluated: 2025-12-11. Review status: criteria provided, single submitter. Criteria: ACMG Guidelines, 2015. Collection method: clinical testing. Allele origin: germline.
Comment: This variant is classified as likely benign based on ACMG/AMP sequence variant interpretation guidelines (Richards et al. 2015 PMID: 25741868, with internal and published modifications).